The following is an entry in ClinVar:

NM_000492.4(CFTR):c.490-230C>T

Gene: CFTR (CF transmembrane conductance regulator; plus strand). Cytogenetic location: 7q31.2.
Variant type: single nucleotide variant.
Coding change: c.490-230C>T on transcript NM_000492.4 (MANE Select); 230 bases into the intron before coding-DNA position 490, C replaced by T.
Molecular consequence: intron variant.
Genome position (GRCh38, 1-based): chr7:117,534,046, C>T. VCF-style: chr7-117534046-C-T. GRCh37 (hg19) VCF-style: chr7-117174100-C-T.
Identifiers: ClinVar variation 4280010 (VCV004280010.1).

ClinVar aggregate classification (germline): Uncertain significance (1 of 4 stars; one submission).

Conditions:
Cystic fibrosis (CF). Also called: MUCOVISCIDOSIS. Identifiers: Orphanet 586, MedGen C0010674, MONDO:0009061, OMIM 219700. Disease mechanism: loss of function.

gnomAD v4.1: 46 of 152,018 alleles (0.03%); highest among the groups gnomAD compares: African/African-American, 0.1%; no homozygotes.

Submission:

Johns Hopkins Genomics, Johns Hopkins University
Classification: Uncertain significance for Cystic fibrosis. Last evaluated: 2024-04-10. Review status: criteria provided, single submitter. Criteria: ACMG Guidelines, 2015. Collection method: clinical testing. Allele origin: germline.
Comment: PM2, BP4